The following is an entry in ClinVar:

ClinVar aggregate classification (germline): Uncertain significance (1 of 4 stars; one submission).

Conditions:
Werner syndrome (WRN). Identifiers: Orphanet 902, MedGen C0043119, MONDO:0010196, OMIM 277700.

Submission:

Labcorp Genetics (formerly Invitae), Labcorp
Classification: Uncertain significance for Werner syndrome. Last evaluated: 2021-04-16. Review status: criteria provided, single submitter. Criteria: Invitae Variant Classification Sherloc (09022015). Collection method: clinical testing. Allele origin: germline.
Comment: In summary, the available evidence is currently insufficient to determine the role of this variant in disease. Therefore, it has been classified as a Variant of Uncertain Significance. This variant has not been reported in the literature in individuals with WRN-related conditions. This variant results in a copy number gain of the genomic region encompassing exon(s) 2-30 of the WRN gene. This region includes the initiator codon of the gene. The 5' end of this event is unknown as it extends beyond the assayed region for this gene and therefore may encompass additional genes. The 3' boundary is likely confined to intron 30 of the WRN gene. As the precise location of this event is unknown, it may be in tandem or it may be located elsewhere in the genome.

NC_000008.10:g.(?_30915964)_(31005012_?)dup

Gene: WRN (WRN RecQ like helicase; plus strand). Cytogenetic location: 8p12.
Variant type: Duplication.
Identifiers: ClinVar variation 1373246 (VCV001373246.4).